The following is an entry in ClinVar:

ClinVar aggregate classification (germline): Pathogenic/Likely pathogenic. Review status: criteria provided, multiple submitters, no conflicts (2 of 4 stars). 15 submissions from 14 submitters: Pathogenic (13); Likely pathogenic (1). 1 of the submissions does not count toward it. Last evaluated 2025-12-22.

Conditions:
PALB2-related disorder. Also called: PALB2-related disorders; PALB2-related condition.
Hereditary breast ovarian cancer syndrome. Also called: Breast and ovarian cancer; BRCA1- and BRCA2-Associated Hereditary Breast and Ovarian Cancer; Hereditary breast and ovarian cancer syndrome; Hereditary breast and ovarian cancer syndrome (HBOC); Hereditary breast and/or ovarian cancer syndrome; Hereditary breast and ovarian cancer. Identifiers: Orphanet 145, MedGen C0677776, MeSH D061325, MONDO:0003582. Disease mechanism: loss of function.
Familial cancer of breast. Also called: hereditary breast carcinoma; Hereditary breast cancer; BREAST CANCER, FAMILIAL. Identifiers: Orphanet 227535, MedGen C0346153, MONDO:0016419, OMIM 114480. Disease mechanism: loss of function.
Inherited breast cancer and ovarian cancer.
Inherited prostate cancer.
Breast and/or ovarian cancer. Identifiers: MedGen CN221562.
Hereditary cancer-predisposing syndrome. Also called: Neoplastic Syndromes, Hereditary; Hereditary Cancer Syndrome; Tumor predisposition; Hereditary neoplastic syndrome. Identifiers: Orphanet 140162, MedGen C0027672, MeSH D009386, MONDO:0015356.

Submissions (15):

Labcorp Genetics (formerly Invitae), Labcorp
Classification: Pathogenic for Familial cancer of breast. Last evaluated: 2025-12-22. Review status: criteria provided, single submitter. Criteria: Invitae Variant Classification Sherloc (09022015). Collection method: clinical testing. Allele origin: germline.
Comment: This sequence change creates a premature translational stop signal (p.Glu830Serfs*21) in the PALB2 gene. It is expected to result in an absent or disrupted protein product. Loss-of-function variants in PALB2 are known to be pathogenic (PMID: 17200668, 17200671, 17200672, 24136930, 25099575). This variant is present in population databases (no rsID available, gnomAD 0.003%). This premature translational stop signal has been observed in individual(s) with family history of ovarian cancer (PMID: 26315354). ClinVar contains an entry for this variant (Variation ID: 230859). For these reasons, this variant has been classified as Pathogenic.

Quest Diagnostics Nichols Institute San Juan Capistrano
Classification: Pathogenic. Last evaluated: 2025-11-03. Review status: criteria provided, single submitter. Criteria: Quest Diagnostics criteria. Collection method: clinical testing. Allele origin: unknown.
Comment: The PALB2 c.2488del (p.Glu830Serfs*21) variant alters the translational reading frame of the PALB2 mRNA and causes the premature termination of PALB2 protein synthesis. This variant has been reported in the published literature in individuals with breast and/or ovarian cancer (PMID: 26315354 (2015), 32885271 (2021), 35710434 (2022), 29470806 (2018), 31263054 (2019), 30128536 (2018), 31428676 (2019)). The frequency of this variant in the general population (Genome Aggregation Database) is consistent with pathogenicity. Based on the available information, this variant is classified as pathogenic .

Genetics Laboratory, Great Ormond Street Hospital NHS Foundation Trust, North Thames Genomic Laboratory Hub
Classification: Pathogenic for Inherited prostate cancer. Last evaluated: 2025-09-16. Review status: criteria provided, single submitter. Criteria: CanVIG PALB2 Gene Specific V1.2. Collection method: clinical testing. Allele origin: germline. Affected: yes.
Comment: PM2_supporting, PVS1_very-strong, PM5_supporting

Genetics Laboratory, Great Ormond Street Hospital NHS Foundation Trust, North Thames Genomic Laboratory Hub
Classification: Pathogenic for Inherited breast cancer and ovarian cancer. Last evaluated: 2025-09-16. Review status: criteria provided, single submitter. Criteria: CanVIG PALB2 Gene Specific V1.2. Collection method: clinical testing. Allele origin: germline. Affected: yes.
Comment: the same text as in the submission from Genetics Laboratory, Great Ormond Street Hospital NHS Foundation Trust, North Thames Genomic Laboratory Hub above.

Color Diagnostics, LLC DBA Color Health
Classification: Pathogenic for Hereditary cancer-predisposing syndrome. Last evaluated: 2025-03-24. Review status: criteria provided, single submitter. Criteria: ACMG Guidelines, 2015. Collection method: clinical testing. Allele origin: germline.
Comment: This variant deletes 1 nucleotide in exon 5 of the PALB2 gene, creating a frameshift and premature translation stop signal. This variant is expected to result in an absent or non-functional protein product. This variant has been reported in at least five individuals affected with breast cancer (PMID: 30128536, 31263054, 31428676, 32885271), an individual with familial breast or ovarian cancer (PMID: 29470806) and in a suspected hereditary ovarian cancer family (PMID: 26315354). This variant has been identified in 1/251294 chromosomes in the general population by the Genome Aggregation Database (gnomAD). Loss of PALB2 function is a known mechanism of disease. Based on the available evidence, this variant is classified as Pathogenic.

Ambry Genetics
Classification: Pathogenic for Hereditary cancer-predisposing syndrome. Last evaluated: 2024-12-11. Review status: criteria provided, single submitter. Criteria: Ambry Variant Classification Scheme 2023. Collection method: clinical testing. Allele origin: germline.
Comment: The c.2488delG pathogenic mutation, located in coding exon 5 of the PALB2 gene, results from a deletion of one nucleotide at nucleotide position 2488, causing a translational frameshift with a predicted alternate stop codon (p.E830Sfs*21). This mutation was also observed in a study of 1,010 unrelated Indian patients with breast and/or ovarian cancer (Singh J et al. Breast Cancer Res Treat, 2018 Jul;170:189-196). This alteration is expected to result in loss of function by premature protein truncation or nonsense-mediated mRNA decay. As such, this alteration is interpreted as a disease-causing mutation.

Myriad Genetics, Inc.
Classification: Pathogenic for Familial cancer of breast. Last evaluated: 2023-09-12. Review status: criteria provided, single submitter. Criteria: Myriad Autosomal Dominant, Autosomal Recessive and X-Linked Classification Criteria (2023). Collection method: clinical testing. Allele origin: unknown.
Comment: This variant is considered pathogenic. This variant creates a frameshift predicted to result in premature protein truncation.

Laboratory for Molecular Medicine, Mass General Brigham Personalized Medicine
Classification: Pathogenic for Hereditary breast ovarian cancer syndrome. Last evaluated: 2022-08-26. Review status: criteria provided, single submitter. Criteria: ACMG Guidelines, 2015. Collection method: clinical testing. Allele origin: germline.
Comment: The p.Glu830SerfsX21 variant in PALB2 has been reported in at least 3 individuals with breast or ovarian cancer (Ramus 2015 PMID: 26315354, Singh 2018 PMID: 29470806, Lerner-Ellis 2020 PMID: 32885271). It has also been identified in 0.02% (1/4836) of South Asian chromosomes by gnomAD. This variant has also been reported in ClinVar (Variation ID 230859). This variant is predicted to cause a frameshift, which alters the protein’s amino acid sequence beginning at position 830 and leads to a premature termination codon 21 amino acids downstream. This alteration is then predicted to lead to a truncated or absent protein. Loss of function of the PALB gene is an established disease mechanism in autosomal dominant hereditary breast and ovarian cancer. In summary, this variant meets criteria to be classified as pathogenic for autosomal dominan hereditary breast and ovarian cancer. ACMG/AMP Criteria applied: PVS1, PM2_Supporting, PS4_Supporting.

GeneDx
Classification: Pathogenic. Last evaluated: 2022-04-12. Review status: criteria provided, single submitter. Criteria: GeneDx Variant Classification Process June 2021. Collection method: clinical testing. Allele origin: germline. Affected: yes.
Comment: Frameshift variant predicted to result in protein truncation or nonsense mediated decay in a gene for which loss of function is a known mechanism of disease; Observed in individuals with a personal or family history consistent with pathogenic variants in this gene (Ramus 2015, Singh 2018, Petridis 2019, Lerner-Ellis 2021); Not observed at significant frequency in large population cohorts (gnomAD); This variant is associated with the following publications: (PMID: 26315354, 29470806, 32885271, 31263054)

Sema4
Classification: Pathogenic for Hereditary cancer-predisposing syndrome. Last evaluated: 2021-11-22. Review status: criteria provided, single submitter. Criteria: Sema4 Curation Guidelines. Collection method: curation. Allele origin: germline.
Comment: The PALB2 c.2488delG (p.E830SfsX21) variant has been reported in heterozygosity in at least 5 individuals with breast cancer (PMID: 26315354, 29470806, 31263054, 32885271, 30128536). It is also known as c.2487delG in the literature. This variant causes a frameshift at amino acid 830 that results in premature termination 21 amino acids downstream. At this location, nonsense-mediated decay is predicted to occur, resulting in a loss of gene function. Loss of function variants in PALB2 are known to be pathogenic (PMID: 17200668). This variant was observed in 1/30616 chromosomes in the South Asian population according to the Genome Aggregation Database (PMID: 32461654), and has been reported in ClinVar (Variation ID: 230859). Based on the current evidence available, this variant is interpreted as pathogenic.

CHEO Genetics Diagnostic Laboratory, Children's Hospital of Eastern Ontario
Classification: Pathogenic for Breast and/or ovarian cancer. Last evaluated: 2021-07-07. Review status: criteria provided, single submitter. Criteria: ACMG Guidelines, 2015. Collection method: clinical testing. Allele origin: germline.

Revvity Omics, Revvity
Classification: Pathogenic. Last evaluated: 2020-09-15. Review status: criteria provided, single submitter. Criteria: ACMG Guidelines, 2015. Collection method: clinical testing. Allele origin: germline.

Blueprint Genetics
Classification: Likely pathogenic for PALB2-related disorders. Last evaluated: 2019-09-20. Review status: criteria provided, single submitter. Criteria: ACMG Guidelines, 2015. Collection method: clinical testing. Allele origin: germline. Affected: yes. Observed: 1 variant allele.

Neuberg Centre For Genomic Medicine, NCGM
Classification: Pathogenic for Familial cancer of breast. Review status: criteria provided, single submitter. Criteria: ACMG Guidelines, 2015. Collection method: clinical testing. Allele origin: germline. Inheritance: Autosomal dominant inheritance. Affected: yes.

Department of Pathology and Laboratory Medicine, Sinai Health System
Classification: Pathogenic. Review status: no assertion criteria provided. Collection method: clinical testing. Allele origin: unknown. Affected: yes. Observed: 2 variant alleles. Study: The Canadian Open Genetics Repository (COGR). Not counted in ClinVar's aggregate classification.
Comment: The PALB2 p.Glu830Serfs*21 variant was identified in 1 of 6472 proband chromosomes (frequency: 0.0002) from individuals or families with epithelial ovarian cancer (Ramus 2015). The variant was also identified in dbSNP (ID: rs876658813) as "With Pathogenic allele" and ClinVar (classified as pathogenic by Invitae, Ambry Genetics, GeneDx and Color). The variant was not identified in LOVD 3.0 or the following control databases: the Exome Aggregation Consortium (August 8th 2016) or the Genome Aggregation Database (Feb 27, 2017). The c.2488del variant is predicted to cause a frameshift, which alters the protein's amino acid sequence beginning at codon 830 and leads to a premature stop codon at position 850. This alteration is then predicted to result in a truncated or absent protein and loss of function. Loss of function variants of the PALB2 gene are an established mechanism of disease in PALB2 associated cancers and is the type of variant expected to cause the disorder. In summary, based on the above information, this variant meets our laboratoryâ€šÃ„Ã´s criteria to be classified as pathogenic.

Literature cited by the submitters: PubMed 17200668 (cited by Labcorp Genetics (formerly Invitae), Labcorp and Sema4); PubMed 17200671 (cited by Labcorp Genetics (formerly Invitae), Labcorp); PubMed 17200672 (cited by Labcorp Genetics (formerly Invitae), Labcorp); PubMed 24136930 (cited by Labcorp Genetics (formerly Invitae), Labcorp); PubMed 25099575 (cited by Labcorp Genetics (formerly Invitae), Labcorp); PubMed 26315354 (cited by 5 submitters); PubMed 32885271 (cited by 3 submitters); PubMed 31428676 (cited by 3 submitters); PubMed 31263054 (cited by 4 submitters); PubMed 30128536 (cited by 3 submitters); PubMed 29470806 (cited by 4 submitters); PubMed 35710434 (cited by Quest Diagnostics Nichols Institute San Juan Capistrano); PubMed 34601666 (cited by Quest Diagnostics Nichols Institute San Juan Capistrano).

NM_024675.4(PALB2):c.2488del (p.Glu830fs)

Gene: PALB2 (partner and localizer of BRCA2; minus strand). Cytogenetic location: 16p12.2.
Variant type: Deletion.
Coding change: c.2488del on transcript NM_024675.4 (MANE Select); coding-DNA position 2488, one base deleted (G; older notation c.2488delG).
Protein change: p.Glu830fs; shifts the reading frame from glutamic acid 830.
Molecular consequence: frameshift variant.
Genome position (GRCh38, 1-based): chr16:23,629,666, C deleted on the plus strand (G on the coding strand, the reverse complement: PALB2 is on the minus strand); the first of 2 consecutive C bases (chr16:23,629,666-23,629,667); deleting either gives the same sequence. VCF-style (leftmost placement, unchanged base first): chr16-23629665-TC-T. GRCh37 (hg19) VCF-style: chr16-23640986-TC-T.
Other names: c.2488delG (NM_024675.3); short protein forms E830fs.
Identifiers: ClinVar variation 230859 (VCV000230859.34), dbSNP rs876658813, ClinGen allele CA10579966.